The following is an entry in ClinVar:

NM_201384.3(PLEC):c.5715G>C (p.Glu1905Asp)

Gene: PLEC (plectin; minus strand). Cytogenetic location: 8q24.3.
Variant type: single nucleotide variant.
Coding change: c.5715G>C on transcript NM_201384.3 (MANE Select); coding-DNA position 5715, G replaced by C.
Protein change: p.Glu1905Asp; replaces glutamic acid 1905 with aspartic acid.
Molecular consequence: missense variant.
Genome position (GRCh38, 1-based): chr8:143,924,214, C>G on the plus strand (G>C on the coding strand, the complement: PLEC is on the minus strand). VCF-style: chr8-143924214-C-G. GRCh37 (hg19) VCF-style: chr8-144998382-C-G.
Other names: c.5796G>C, p.Glu1932Asp (NM_000445.5); c.5673G>C, p.Glu1891Asp (NM_201378.4); c.5649G>C, p.Glu1883Asp (NM_201379.3); c.6126G>C, p.Glu2042Asp (NM_201380.4); c.5619G>C, p.Glu1873Asp (NM_201381.3); c.5715G>C, p.Glu1905Asp (NM_201382.4); c.5727G>C, p.Glu1909Asp (NM_201383.3); short protein forms E1909D, E2042D, E1873D, E1883D, E1891D, E1905D, E1932D.
Identifiers: ClinVar variation 851931 (VCV000851931.8), dbSNP rs782414131, ClinGen allele CA4926264.

ClinVar aggregate classification (germline): Uncertain significance. Review status: criteria provided, multiple submitters, no conflicts (2 of 4 stars). 2 submissions from 2 submitters: Uncertain significance (2). Last evaluated 2025-08-15.

Conditions:
Autosomal recessive limb-girdle muscular dystrophy type 2Q (LGMDR17). Also called: MUSCULAR DYSTROPHY, LIMB-GIRDLE, AUTOSOMAL RECESSIVE 17. Identifiers: Orphanet 254361, MedGen C3150989, MONDO:0013390, OMIM 613723.
Epidermolysis bullosa simplex 5B, with muscular dystrophy (EBS5B). Also called: Epidermolysis bullosa simplex with muscular dystrophy; EPIDERMOLYSIS BULLOSA SIMPLEX AND LIMB-GIRDLE MUSCULAR DYSTROPHY. Identifiers: Orphanet 257, MedGen C2931072, MONDO:0009181, OMIM 226670.
Epidermolysis bullosa simplex, Ogna type (EBS5A). Also called: Pidermolysis bullosa simplex 5A, Ogna type; EPIDERMOLYSIS BULLOSA SIMPLEX 5A, OGNA TYPE. Identifiers: Orphanet 79401, MedGen C0432317, MONDO:0007555, OMIM 131950.
Epidermolysis bullosa simplex 5C, with pyloric atresia (EBS5C). Also called: PLEC1-Related Epidermolysis Bullosa with Pyloric Atresia; Epidermolysis bullosa simplex with pyloric atresia; PLEC-Related Epidermolysis Bullosa with Pyloric Atresia. Identifiers: Orphanet 158684, MedGen C2677349, MONDO:0012807, OMIM 612138.
Epidermolysis bullosa simplex with nail dystrophy (EBS5D). Identifiers: MedGen C4225309, MONDO:0014661, OMIM 616487.

Allele frequency attached by ClinVar (database versions not stated): ExAC 0.00002.
gnomAD v4.1: 16 of 1,598,984 alleles (0.001%); highest among the groups gnomAD compares: South Asian, 0.015%; no homozygotes.

Submissions (2):

Labcorp Genetics (formerly Invitae), Labcorp
Classification: Uncertain significance for Autosomal recessive limb-girdle muscular dystrophy type 2Q; Epidermolysis bullosa simplex, Ogna type; Epidermolysis bullosa simplex with nail dystrophy; Epidermolysis bullosa simplex 5C, with pyloric atresia; Epidermolysis bullosa simplex 5B, with muscular dystrophy. Last evaluated: 2025-08-15. Review status: criteria provided, single submitter. Criteria: Invitae Variant Classification Sherloc (09022015). Collection method: clinical testing. Allele origin: germline.
Comment: This sequence change replaces glutamic acid, which is acidic and polar, with aspartic acid, which is acidic and polar, at codon 1932 of the PLEC protein (p.Glu1932Asp). This variant is present in population databases (rs782414131, gnomAD 0.007%). This variant has not been reported in the literature in individuals affected with PLEC-related conditions. ClinVar contains an entry for this variant (Variation ID: 851931). Experimental studies and prediction algorithms are not available or were not evaluated, and the functional significance of this variant is currently unknown. In summary, the available evidence is currently insufficient to determine the role of this variant in disease. Therefore, it has been classified as a Variant of Uncertain Significance.

Revvity Omics, Revvity
Classification: Uncertain significance. Last evaluated: 2023-08-16. Review status: criteria provided, single submitter. Criteria: ACMG Guidelines, 2015. Collection method: clinical testing. Allele origin: germline.